The following is an entry in ClinVar:

ClinVar aggregate classification (germline): Conflicting classifications of pathogenicity. Review status: criteria provided, conflicting classifications (1 of 4 stars). 3 submissions from 3 submitters: Uncertain significance (2); Likely benign (1). Last evaluated 2025-11-04.

Conditions:
Autosomal recessive polycystic kidney disease (ARPKD). Also called: AR polycystic kidney disease. Identifiers: Orphanet 731, Orphanet 8378, MedGen C0085548, MeSH D017044, MONDO:0009889.

Allele frequency attached by ClinVar (database versions not stated): gnomAD 0.00003 and 0.00005; gnomAD exomes 0.00003 and 0.00010; TOPMed 0.00003; ExAC 0.00010.
gnomAD v4.1: 50 of 1,613,242 alleles (0.0031%); highest among the groups gnomAD compares: East Asian, 0.053%; no homozygotes.

Submissions (3):

Women's Health and Genetics/Laboratory Corporation of America, LabCorp
Classification: Uncertain significance. Last evaluated: 2025-11-04. Review status: criteria provided, single submitter. Criteria: LabCorp Variant Classification Summary - May 2015. Collection method: clinical testing. Allele origin: germline.
Comment: Variant summary: PKHD1 c.7237C>T (p.Arg2413Cys) results in a non-conservative amino acid change in the encoded protein sequence. Algorithms developed to predict the effect of missense changes on protein structure and function are either unavailable or do not agree on the potential impact of this missense change. The variant allele was found at a frequency of 9.6e-05 in 251190 control chromosomes. This frequency is not significantly higher than estimated for disease-causing variants in PKHD1, allowing no conclusion about variant significance. c.7237C>T has been observed in individuals affected with Polycystic Kidney And Hepatic Disease or Congenital anomalies of the kidney and urinary tract (CAKUT) (Burgmaier_2021, Ishiko_2021, Ajiri_2022, Huang_2023). These data indicate that the variant may be associated with disease. To our knowledge, no experimental evidence demonstrating an impact on protein function has been reported. The following publications have been ascertained in the context of this evaluation (PMID: 35812281, 33940108, 38025242, 34536170). ClinVar contains an entry for this variant (Variation ID: 1594981). Based on the evidence outlined above, the variant was classified as VUS-possibly pathogenic.

Labcorp Genetics (formerly Invitae), Labcorp
Classification: Likely benign for Autosomal recessive polycystic kidney disease. Last evaluated: 2024-01-08. Review status: criteria provided, single submitter. Criteria: Invitae Variant Classification Sherloc (09022015). Collection method: clinical testing. Allele origin: germline.

Blueprint Genetics
Classification: Uncertain significance. Last evaluated: 2023-02-10. Review status: criteria provided, single submitter. Criteria: ACMG Guidelines, 2015. Collection method: clinical testing. Allele origin: germline.

Literature cited by the submitters: PubMed 33940108 (cited by Women's Health and Genetics/Laboratory Corporation of America, LabCorp); PubMed 35812281 (cited by Women's Health and Genetics/Laboratory Corporation of America, LabCorp); PubMed 34536170 (cited by Women's Health and Genetics/Laboratory Corporation of America, LabCorp); PubMed 38025242 (cited by Women's Health and Genetics/Laboratory Corporation of America, LabCorp).

NM_138694.4(PKHD1):c.7237C>T (p.Arg2413Cys)

Gene: PKHD1 (PKHD1 ciliary IPT domain containing fibrocystin/polyductin; minus strand). Cytogenetic location: 6p12.2.
Variant type: single nucleotide variant.
Coding change: c.7237C>T on transcript NM_138694.4 (MANE Select); coding-DNA position 7237, C replaced by T.
Protein change: p.Arg2413Cys; replaces arginine 2413 with cysteine.
Molecular consequence: missense variant.
Genome position (GRCh38, 1-based): chr6:51,883,206, G>A on the plus strand (C>T on the coding strand, the complement: PKHD1 is on the minus strand). VCF-style: chr6-51883206-G-A. GRCh37 (hg19) VCF-style: chr6-51748004-G-A.
Other names: c.7237C>T, p.Arg2413Cys (NM_170724.3); short protein forms R2413C.
Identifiers: ClinVar variation 1594981 (VCV001594981.10), dbSNP rs553534988, ClinGen allele CA3851991.
Genomic context (GRCh38, chr6:51,883,206, plus strand): 5'-CACTTTCCAAGACGTCAATTCCAAAATCTCTGCATGAATAAACTTTGAAGTTTTTCAGGC[G>A]AAGATTGCTACTTCTAAAAATCTATAAAATACAGCATGTTACAGCAAAGGTCTGAGGCTT-3'
Protein context (NP_619639.3, residues 2403-2423): GAQIFRSSNL[Arg2413Cys]LKNFKVYSCR